The following is an entry in ClinVar:

NM_001440.4(EXTL3):c.931G>A (p.Gly311Ser)

Gene: EXTL3 (exostosin like glycosyltransferase 3; plus strand). Cytogenetic location: 8p21.1.
Variant type: single nucleotide variant.
Coding change: c.931G>A on transcript NM_001440.4 (MANE Select); coding-DNA position 931, G replaced by A.
Protein change: p.Gly311Ser; replaces glycine 311 with serine.
Molecular consequence: missense variant.
Genome position (GRCh38, 1-based): chr8:28,716,990, G>A. VCF-style: chr8-28716990-G-A. GRCh37 (hg19) VCF-style: chr8-28574507-G-A.
Other names: short protein forms G311S.
Identifiers: ClinVar variation 1506966 (VCV001506966.5), dbSNP rs779860461, ClinGen allele CA4696095.

ClinVar aggregate classification (germline): Uncertain significance (1 of 4 stars; one submission).

Allele frequency attached by ClinVar (database versions not stated): gnomAD exomes below 0.00001 and 0.00001; ExAC 0.00001; TOPMed 0.00001.
gnomAD v4.1: 3 of 1,614,220 alleles (0.00019%); highest among the groups gnomAD compares: Admixed American, 0.0017%; no homozygotes.

Submission:

Labcorp Genetics (formerly Invitae), Labcorp
Classification: Uncertain significance. Last evaluated: 2022-07-26. Review status: criteria provided, single submitter. Criteria: Invitae Variant Classification Sherloc (09022015). Collection method: clinical testing. Allele origin: germline.
Comment: This sequence change replaces glycine, which is neutral and non-polar, with serine, which is neutral and polar, at codon 311 of the EXTL3 protein (p.Gly311Ser). This variant is present in population databases (rs779860461, gnomAD 0.003%). This variant has not been reported in the literature in individuals affected with EXTL3-related conditions. ClinVar contains an entry for this variant (Variation ID: 1506966). Algorithms developed to predict the effect of missense changes on protein structure and function are either unavailable or do not agree on the potential impact of this missense change (SIFT: "Tolerated"; PolyPhen-2: "Possibly Damaging"; Align-GVGD: "Class C0"). In summary, the available evidence is currently insufficient to determine the role of this variant in disease. Therefore, it has been classified as a Variant of Uncertain Significance.